The following is an entry in ClinVar:

NM_006929.5(SKIC2):c.1685G>A (p.Arg562His)

Gene: SKIC2 (SKI2 subunit of superkiller complex; plus strand). Cytogenetic location: 6p21.33.
Variant type: single nucleotide variant.
Coding change: c.1685G>A on transcript NM_006929.5 (MANE Select); coding-DNA position 1685, G replaced by A.
Protein change: p.Arg562His; replaces arginine 562 with histidine.
Molecular consequence: missense variant.
Genome position (GRCh38, 1-based): chr6:31,963,950, G>A. VCF-style: chr6-31963950-G-A. GRCh37 (hg19) VCF-style: chr6-31931727-G-A.
Other names: c.1685G>A (NM_006929.4); short protein forms R562H.
Identifiers: ClinVar variation 1423181 (VCV001423181.4), dbSNP rs147878364, ClinGen allele CA3729557.

ClinVar aggregate classification (germline): Uncertain significance. Review status: criteria provided, multiple submitters, no conflicts (2 of 4 stars). 2 submissions from 2 submitters: Uncertain significance (2). Last evaluated 2022-10-12.

Conditions:
Inborn genetic diseases. Identifiers: MedGen C0950123, MeSH D030342.

Allele frequency attached by ClinVar (database versions not stated): gnomAD 0.00004; TOPMed 0.00006; ESP Exome Variant Server 0.00036.
gnomAD v4.1: 131 of 1,611,588 alleles (0.0081%); highest among the groups gnomAD compares: Admixed American, 0.018%; no homozygotes.

Submissions (2):

Labcorp Genetics (formerly Invitae), Labcorp
Classification: Uncertain significance. Last evaluated: 2022-10-12. Review status: criteria provided, single submitter. Criteria: Invitae Variant Classification Sherloc (09022015). Collection method: clinical testing. Allele origin: germline.
Comment: This sequence change replaces arginine, which is basic and polar, with histidine, which is basic and polar, at codon 562 of the SKIV2L protein (p.Arg562His). This variant is present in population databases (rs147878364, gnomAD 0.01%). This variant has not been reported in the literature in individuals affected with SKIV2L-related conditions. ClinVar contains an entry for this variant (Variation ID: 1423181). Algorithms developed to predict the effect of missense changes on protein structure and function are either unavailable or do not agree on the potential impact of this missense change (SIFT: "Deleterious"; PolyPhen-2: "Possibly Damaging"; Align-GVGD: "Class C0"). In summary, the available evidence is currently insufficient to determine the role of this variant in disease. Therefore, it has been classified as a Variant of Uncertain Significance.

Ambry Genetics
Classification: Uncertain significance for Inborn genetic diseases. Last evaluated: 2022-01-04. Review status: criteria provided, single submitter. Criteria: Ambry Variant Classification Scheme 2023. Collection method: clinical testing. Allele origin: germline.